The following is an entry in ClinVar:

NM_000286.3(PEX12):c.511del (p.Glu171fs)

Gene: PEX12 (peroxisomal biogenesis factor 12; minus strand). Cytogenetic location: 17q12.
Variant type: Deletion.
Coding change: c.511del on transcript NM_000286.3 (MANE Select); coding-DNA position 511, one base deleted (G; older notation c.511delG).
Protein change: p.Glu171fs; shifts the reading frame from glutamic acid 171.
Molecular consequence: frameshift variant.
Genome position (GRCh38, 1-based): chr17:35,577,207, C deleted on the plus strand (G on the coding strand, the reverse complement: PEX12 is on the minus strand); the first of 3 consecutive C bases (chr17:35,577,207-35,577,209); deleting any one gives the same sequence. VCF-style (leftmost placement, unchanged base first): chr17-35577206-TC-T. GRCh37 (hg19) VCF-style: chr17-33904225-TC-T.
Other names: short protein forms E171fs.
Identifiers: ClinVar variation 1456191 (VCV001456191.7), dbSNP rs945104524, ClinGen allele CA290069407.

ClinVar aggregate classification (germline): Pathogenic/Likely pathogenic. Review status: criteria provided, multiple submitters, no conflicts (2 of 4 stars). 2 submissions from 2 submitters: Pathogenic (1); Likely pathogenic (1). Last evaluated 2025-11-05.

Conditions:
Peroxisome biogenesis disorder 3A (Zellweger). Also called: PEROXISOMAL BIOGENESIS DISORDER 3A (ZELLWEGER); Peroxisome biogenesis disorder 3A. Identifiers: Orphanet 912, MedGen C3553929, MONDO:0013927, OMIM 614859.

Submissions (2):

Labcorp Genetics (formerly Invitae), Labcorp
Classification: Pathogenic for Peroxisome biogenesis disorder 3A (Zellweger). Last evaluated: 2025-11-05. Review status: criteria provided, single submitter. Criteria: Invitae Variant Classification Sherloc (09022015). Collection method: clinical testing. Allele origin: germline.
Comment: This sequence change creates a premature translational stop signal (p.Glu171Lysfs*13) in the PEX12 gene. It is expected to result in an absent or disrupted protein product. Loss-of-function variants in PEX12 are known to be pathogenic (PMID: 9090384, 9632816, 21031596). This variant is not present in population databases (gnomAD no frequency). This variant has not been reported in the literature in individuals affected with PEX12-related conditions. ClinVar contains an entry for this variant (Variation ID: 1456191). For these reasons, this variant has been classified as Pathogenic.

Baylor Genetics
Classification: Likely pathogenic for Peroxisome biogenesis disorder 3A (Zellweger). Last evaluated: 2023-04-01. Review status: criteria provided, single submitter. Criteria: ACMG Guidelines, 2015. Collection method: clinical testing. Allele origin: unknown.

Literature cited by the submitters: PubMed 9090384 (cited by Labcorp Genetics (formerly Invitae), Labcorp); PubMed 9632816 (cited by Labcorp Genetics (formerly Invitae), Labcorp); PubMed 21031596 (cited by Labcorp Genetics (formerly Invitae), Labcorp).